The following is an entry in ClinVar:

NM_001042492.3(NF1):c.4345A>G (p.Ile1449Val)

Gene: NF1 (neurofibromin 1; plus strand). Cytogenetic location: 17q11.2.
Variant type: single nucleotide variant.
Coding change: c.4345A>G on transcript NM_001042492.3 (MANE Select); coding-DNA position 4345, A replaced by G.
Protein change: p.Ile1449Val; replaces isoleucine 1449 with valine.
Molecular consequence: missense variant.
Genome position (GRCh38, 1-based): chr17:31,259,044, A>G. VCF-style: chr17-31259044-A-G. GRCh37 (hg19) VCF-style: chr17-29586062-A-G.
Other names: c.4282A>G, p.Ile1428Val (NM_000267.4); short protein forms I1428V, I1449V.
Identifiers: ClinVar variation 4615828 (VCV004615828.1).

ClinVar aggregate classification (germline): Uncertain significance (1 of 4 stars; one submission).

Conditions:
Cardiovascular phenotype. Identifiers: MedGen CN230736.
Hereditary cancer-predisposing syndrome. Also called: Neoplastic Syndromes, Hereditary; Tumor predisposition; Hereditary Cancer Syndrome; Hereditary neoplastic syndrome. Identifiers: Orphanet 140162, MedGen C0027672, MeSH D009386, MONDO:0015356.

Submission:

Ambry Genetics
Classification: Uncertain significance for Cardiovascular phenotype; Hereditary cancer-predisposing syndrome. Last evaluated: 2025-12-10. Review status: criteria provided, single submitter. Criteria: Ambry Variant Classification Scheme 2023. Collection method: clinical testing. Allele origin: germline.
Comment: The p.I1428V variant (also known as c.4282A>G), located in coding exon 32 of the NF1 gene, results from an A to G substitution at nucleotide position 4282. The isoleucine at codon 1428 is replaced by valine, an amino acid with highly similar properties. This amino acid position is highly conserved in available vertebrate species. In addition, the in silico prediction for this alteration is inconclusive. Based on the available evidence, the clinical significance of this variant remains unclear.